The following is an entry in ClinVar:

ClinVar aggregate classification (germline): Uncertain significance (1 of 4 stars; one submission).

Conditions:
Episodic ataxia type 2 (EA2). Also called: CEREBELLAR ATAXIA, PAROXYSMAL, ACETAZOLAMIDE-RESPONSIVE; CEREBELLOPATHY, HEREDITARY PAROXYSMAL; EPISODIC ATAXIA, NYSTAGMUS-ASSOCIATED; ACETAZOLAMIDE-RESPONSIVE HEREDITARY PAROXYSMAL CEREBELLAR ATAXIA; ATAXIA, EPISODIC, WITH NYSTAGMUS; ATAXIA, FAMILIAL PAROXYSMAL. Identifiers: Orphanet 97, MedGen C1720416, MONDO:0007163, OMIM 108500.
Developmental and epileptic encephalopathy, 42 (DEE42A). Also called: Epileptic encephalopathy, early infantile, 42; DEVELOPMENTAL AND EPILEPTIC ENCEPHALOPATHY 42A; EPILEPTIC ENCEPHALOPATHY, EARLY INFANTILE, 42A. Identifiers: MedGen C4310716, MONDO:0014917, OMIM 617106.

Submission:

Labcorp Genetics (formerly Invitae), Labcorp
Classification: Uncertain significance for Developmental and epileptic encephalopathy, 42; Episodic ataxia type 2. Last evaluated: 2023-04-20. Review status: criteria provided, single submitter. Criteria: Invitae Variant Classification Sherloc (09022015). Collection method: clinical testing. Allele origin: germline.
Comment: In summary, the available evidence is currently insufficient to determine the role of this variant in disease. Therefore, it has been classified as a Variant of Uncertain Significance. This sequence change replaces threonine, which is neutral and polar, with isoleucine, which is neutral and non-polar, at codon 2172 of the CACNA1A protein (p.Thr2172Ile). This variant is not present in population databases (gnomAD no frequency). This variant has not been reported in the literature in individuals affected with CACNA1A-related conditions. Advanced modeling of protein sequence and biophysical properties (such as structural, functional, and spatial information, amino acid conservation, physicochemical variation, residue mobility, and thermodynamic stability) performed at Invitae indicates that this missense variant is not expected to disrupt CACNA1A protein function.

NM_001127222.2(CACNA1A):c.6512C>T (p.Thr2171Ile)

Gene: CACNA1A (calcium voltage-gated channel subunit alpha1 A; minus strand). Cytogenetic location: 19p13.13.
Variant type: single nucleotide variant.
Coding change: c.6512C>T on transcript NM_001127222.2 (MANE Select); coding-DNA position 6512, C replaced by T.
Protein change: p.Thr2171Ile; replaces threonine 2171 with isoleucine.
Molecular consequence: missense variant.
Genome position (GRCh38, 1-based): chr19:13,209,326, G>A on the plus strand (C>T on the coding strand, the complement: CACNA1A is on the minus strand). VCF-style: chr19-13209326-G-A. GRCh37 (hg19) VCF-style: chr19-13320140-G-A.
Other names: c.6530C>T, p.Thr2177Ile (NM_000068.4, NM_023035.3); c.6515C>T, p.Thr2172Ile (NM_001127221.2); c.6521C>T, p.Thr2174Ile (NM_001174080.2); short protein forms T2171I, T2172I, T2177I, T2174I.
Identifiers: ClinVar variation 2946928 (VCV002946928.3), dbSNP rs2512519965, ClinGen allele CA404330741.
Genomic context (GRCh38, chr19:13,209,326, plus strand): 5'-CCTCTCCTCTGTTCTGCTTGTCCCTGAGCACCACAGGGCTGCCCACCTGTGTCCACATCG[G>A]TGTAGCGGCCCAGGGAGCGCTCAGAGGCGCGGTGGCTGCGGTCGCGGCGCCGCTGGTGGT-3'
Protein context (NP_001120694.1, residues 2161-2181): RASERSLGRY[Thr2171Ile]DVDTGLGTDL